The following is an entry in ClinVar:

ClinVar aggregate classification (germline): Uncertain significance. Review status: criteria provided, single submitter (1 of 4 stars). 2 submissions from 2 submitters: Uncertain significance (1). 1 of the submissions does not count toward it. Last evaluated 2024-11-26.

Conditions:
Ichthyosis prematurity syndrome (IPS). Also called: ICHTHYOSIS CONGENITA IV. Identifiers: Orphanet 88621, MedGen C1837610, MONDO:0012089, OMIM 608649.

Allele frequency attached by ClinVar (database versions not stated): gnomAD 0.00001; gnomAD exomes 0.00001; ExAC 0.00001; TOPMed 0.00001.
gnomAD v4.1: 12 of 1,613,434 alleles (0.00074%); highest among the groups gnomAD compares: East Asian, 0.0045%; no homozygotes.

Submissions (2):

Women's Health and Genetics/Laboratory Corporation of America, LabCorp
Classification: Uncertain significance. Last evaluated: 2024-11-26. Review status: criteria provided, single submitter. Criteria: LabCorp Variant Classification Summary - May 2015. Collection method: clinical testing. Allele origin: germline.
Comment: Variant summary: SLC27A4 c.1748G>A (p.Arg583His) results in a non-conservative amino acid change in the encoded protein sequence. Five of five in-silico tools predict a damaging effect of the variant on protein function. The variant allele was found at a frequency of 8e-06 in 251076 control chromosomes (gnomAD). c.1748G>A has been reported in the literature in an individual affected with Lamellar Ichthyosis (Klar_2009). These data indicate that the variant may be associated with disease. To our knowledge, no experimental evidence demonstrating an impact on protein function has been reported. The following publication has been ascertained in the context of this evaluation (PMID: 19631310). ClinVar contains an entry for this variant (Variation ID: 5748). Based on the evidence outlined above, the variant was classified as VUS-possibly pathogenic.

OMIM
Classification: Pathogenic for ICHTHYOSIS PREMATURITY SYNDROME. Last evaluated: 2009-08-01. Review status: no assertion criteria provided. Collection method: literature only. Allele origin: germline. Not counted in ClinVar's aggregate classification.

Literature cited by the submitters: PubMed 19631310 (cited by Women's Health and Genetics/Laboratory Corporation of America, LabCorp and OMIM).

NM_005094.4(SLC27A4):c.1748G>A (p.Arg583His)

Gene: SLC27A4 (solute carrier family 27 member 4; plus strand). Cytogenetic location: 9q34.11.
Variant type: single nucleotide variant.
Coding change: c.1748G>A on transcript NM_005094.4 (MANE Select); coding-DNA position 1748, G replaced by A.
Protein change: p.Arg583His; replaces arginine 583 with histidine.
Molecular consequence: missense variant.
Genome position (GRCh38, 1-based): chr9:128,355,770, G>A. VCF-style: chr9-128355770-G-A. GRCh37 (hg19) VCF-style: chr9-131118049-G-A.
Other names: short protein forms R583H.
Identifiers: ClinVar variation 5748 (VCV000005748.5), dbSNP rs137853135, ClinGen allele CA117717.
Genomic context (GRCh38, chr9:128,355,770, plus strand): 5'-AGCGCTTTGCTCAGGTCTTGGAGAAGGAACTGCCCCTGTATGCGCGCCCCATCTTCCTGC[G>A]CCTCCTGCCTGAGCTGCACAAAACAGGTGTGTCCCTCCCCTGCTCCAGCTCTCGGATCCC-3'
Protein context (NP_005085.2, residues 573-593): LPLYARPIFL[Arg583His]LLPELHKTGT